The following is an entry in ClinVar:

ClinVar aggregate classification (germline): Uncertain significance. Review status: criteria provided, multiple submitters, no conflicts (2 of 4 stars). 3 submissions from 3 submitters: Uncertain significance (3). Last evaluated 2025-10-03.

Conditions:
Microcephaly, normal intelligence and immunodeficiency (NBS). Also called: BERLIN BREAKAGE SYNDROME; Immunodeficiency, microcephaly with normal intelligence; Ataxia telangiectasia variant V1; SEEMANOVA SYNDROME II; Nijmegen breakage syndrome; Microcephaly with normal intelligence immunodeficiency and lymphoreticular malignancies. Identifiers: Orphanet 647, MedGen C0398791, MONDO:0009623, OMIM 251260.
Hereditary cancer-predisposing syndrome. Also called: Tumor predisposition; Hereditary neoplastic syndrome; Neoplastic Syndromes, Hereditary; Hereditary Cancer Syndrome. Identifiers: Orphanet 140162, MedGen C0027672, MeSH D009386, MONDO:0015356.

gnomAD v4.1: 9 of 1,613,102 alleles (0.00056%); highest among the groups gnomAD compares: African/African-American, 0.012%; no homozygotes.

Submissions (3):

Women's Health and Genetics/Laboratory Corporation of America, LabCorp
Classification: Uncertain significance. Last evaluated: 2025-10-03. Review status: criteria provided, single submitter. Criteria: LabCorp Variant Classification Summary - May 2015. Collection method: clinical testing. Allele origin: germline.

Ambry Genetics
Classification: Uncertain significance for Hereditary cancer-predisposing syndrome. Last evaluated: 2025-08-12. Review status: criteria provided, single submitter. Criteria: Ambry Variant Classification Scheme 2023. Collection method: clinical testing. Allele origin: germline.
Comment: The p.P6A variant (also known as c.16C>G), located in coding exon 1 of the NBN gene, results from a C to G substitution at nucleotide position 16. The proline at codon 6 is replaced by alanine, an amino acid with highly similar properties. This amino acid position is highly conserved in available vertebrate species. In addition, this alteration is predicted to be tolerated by in silico analysis. Since supporting evidence is limited at this time, the clinical significance of this alteration remains unclear.

Labcorp Genetics (formerly Invitae), Labcorp
Classification: Uncertain significance for Microcephaly, normal intelligence and immunodeficiency. Last evaluated: 2024-01-24. Review status: criteria provided, single submitter. Criteria: Invitae Variant Classification Sherloc (09022015). Collection method: clinical testing. Allele origin: germline.
Comment: This sequence change replaces proline, which is neutral and non-polar, with alanine, which is neutral and non-polar, at codon 6 of the NBN protein (p.Pro6Ala). This variant is present in population databases (rs730881859, gnomAD 0.01%). This variant has not been reported in the literature in individuals affected with NBN-related conditions. ClinVar contains an entry for this variant (Variation ID: 938766). An algorithm developed to predict the effect of missense changes on protein structure and function (PolyPhen-2) suggests that this variant is likely to be tolerated. In summary, the available evidence is currently insufficient to determine the role of this variant in disease. Therefore, it has been classified as a Variant of Uncertain Significance.

NM_002485.5(NBN):c.16C>G (p.Pro6Ala)

Gene: NBN (nibrin; minus strand). Cytogenetic location: 8q21.3.
Variant type: single nucleotide variant.
Coding change: c.16C>G on transcript NM_002485.5 (MANE Select); coding-DNA position 16, C replaced by G.
Protein change: p.Pro6Ala; replaces proline 6 with alanine.
Molecular consequence: missense variant. On other transcripts: 5 prime UTR variant (1).
Genome position (GRCh38, 1-based): chr8:89,984,546, G>C on the plus strand (C>G on the coding strand, the complement: NBN is on the minus strand). VCF-style: chr8-89984546-G-C. GRCh37 (hg19) VCF-style: chr8-90996774-G-C.
Other names: c.-281C>G (NM_001024688.3); short protein forms P6A.
Identifiers: ClinVar variation 938766 (VCV000938766.14), dbSNP rs730881859, ClinGen allele CA4803106.